The following is an entry in ClinVar:

NM_001367561.1(DOCK7):c.932G>A (p.Gly311Glu)

Gene: DOCK7 (dedicator of cytokinesis 7; minus strand). Cytogenetic location: 1p31.3.
Variant type: single nucleotide variant.
Coding change: c.932G>A on transcript NM_001367561.1 (MANE Select); coding-DNA position 932, G replaced by A.
Protein change: p.Gly311Glu; replaces glycine 311 with glutamic acid.
Molecular consequence: missense variant.
Genome position (GRCh38, 1-based): chr1:62,634,876, C>T on the plus strand (G>A on the coding strand, the complement: DOCK7 is on the minus strand). VCF-style: chr1-62634876-C-T. GRCh37 (hg19) VCF-style: chr1-63100547-C-T.
Other names: c.932G>A, p.Gly311Glu (NM_001271999.2, NM_001272000.2, NM_001272001.2 and 3 more transcripts); short protein forms G311E.
Identifiers: ClinVar variation 954840 (VCV000954840.10), dbSNP rs1655061723, ClinGen allele CA340622141.

ClinVar aggregate classification (germline): Uncertain significance (1 of 4 stars; one submission).

Conditions:
Developmental and epileptic encephalopathy, 23 (DEE23). Also called: Epileptic encephalopathy, early infantile, 23. Identifiers: Orphanet 411986, MedGen C4014492, MONDO:0014371, OMIM 615859.

Allele frequency attached by ClinVar (database versions not stated): TOPMed below 0.00001.

Submission:

Labcorp Genetics (formerly Invitae), Labcorp
Classification: Uncertain significance for Developmental and epileptic encephalopathy, 23. Last evaluated: 2019-11-13. Review status: criteria provided, single submitter. Criteria: Invitae Variant Classification Sherloc (09022015). Collection method: clinical testing. Allele origin: germline.
Comment: In summary, the available evidence is currently insufficient to determine the role of this variant in disease. Therefore, it has been classified as a Variant of Uncertain Significance. Algorithms developed to predict the effect of missense changes on protein structure and function (SIFT, PolyPhen-2, Align-GVGD) all suggest that this variant is likely to be tolerated, but these predictions have not been confirmed by published functional studies and their clinical significance is uncertain. This variant has not been reported in the literature in individuals with DOCK7-related conditions. This variant is not present in population databases (ExAC no frequency). This sequence change replaces glycine with glutamic acid at codon 311 of the DOCK7 protein (p.Gly311Glu). The glycine residue is moderately conserved and there is a moderate physicochemical difference between glycine and glutamic acid.